The following is an entry in ClinVar:

ClinVar aggregate classification (germline): Likely benign (1 of 4 stars; one submission).

Submission:

CeGaT Center for Human Genetics Tuebingen
Classification: Likely benign. Last evaluated: 2025-03-01. Review status: criteria provided, single submitter. Criteria: CeGaT Center For Human Genetics Tuebingen Variant Classification Criteria Version 2. Collection method: clinical testing. Allele origin: germline. Affected: yes. Observed: 1 variant allele.
Comment: EIF2B5: PM2:Supporting, BP4, BP7

NM_003907.3(EIF2B5):c.1977T>G (p.Leu659=)

Gene: EIF2B5 (eukaryotic translation initiation factor 2B subunit epsilon; plus strand). Cytogenetic location: 3q27.1.
Variant type: single nucleotide variant.
Coding change: c.1977T>G on transcript NM_003907.3 (MANE Select); coding-DNA position 1977, T replaced by G.
Protein change: p.Leu659=; no amino-acid change (leucine 659 retained).
Molecular consequence: synonymous variant.
Genome position (GRCh38, 1-based): chr3:184,144,206, T>G. VCF-style: chr3-184144206-T-G. GRCh37 (hg19) VCF-style: chr3-183861994-T-G.
Identifiers: ClinVar variation 3778593 (VCV003778593.7).